The following is an entry in ClinVar:

ClinVar aggregate classification (germline): Uncertain significance. Review status: criteria provided, multiple submitters, no conflicts (2 of 4 stars). 3 submissions from 3 submitters: Uncertain significance (3). Last evaluated 2026-02-11.

Conditions:
COL11A2-related disorder. Also called: COL11A2-related condition; COL11A2-related disorders.

Allele frequency attached by ClinVar (database versions not stated): ExAC 0.00002; gnomAD 0.00002; gnomAD exomes 0.00002.
gnomAD v4.1: 107 of 1,611,000 alleles (0.0066%); highest among the groups gnomAD compares: Non-Finnish European, 0.0082%; no homozygotes.

Submissions (3):

GeneDx
Classification: Uncertain significance. Last evaluated: 2026-02-11. Review status: criteria provided, single submitter. Criteria: GeneDx Variant Classification Process June 2021. Collection method: clinical testing. Allele origin: germline. Affected: yes.
Comment: Reported in an individual with a Stickler-like phenotype and in individuals with adolescent idiopathic scoliosis (PMID: 25240749, 26566670); In silico analysis suggests that this missense variant does not alter protein structure/function; This variant is associated with the following publications: (PMID: 26566670, 25240749)

PreventionGenetics, part of Exact Sciences
Classification: Uncertain significance for COL11A2-related condition. Last evaluated: 2025-10-31. Review status: criteria provided, single submitter. Criteria: ACMG Guidelines, 2015. Collection method: clinical testing. Allele origin: germline.
Comment: The COL11A2 c.4600C>T variant is predicted to result in the amino acid substitution p.Pro1534Ser. This variant has been reported in an individual with some features of type 2 Stickler syndrome and in individuals with adolescent idiopathic scoliosis (Acke et al. 2014. PubMed ID: 25240749; referred to on alternate transcript NM_080679 as p.Pro1427Ser in Supplementary Table 4, Haller et al. 2015. PubMed ID: 26566670). This variant is reported in 0.0054% of alleles (7 heterozygotes) in individuals of European (Non-Finnish) descent in gnomAD. This variant is interpreted as uncertain.

Women's Health and Genetics/Laboratory Corporation of America, LabCorp
Classification: Uncertain significance. Last evaluated: 2024-06-14. Review status: criteria provided, single submitter. Criteria: LabCorp Variant Classification Summary - May 2015. Collection method: clinical testing. Allele origin: germline.
Comment: Variant summary: COL11A2 c.4600C>T (p.Pro1534Ser) results in a non-conservative amino acid change in the encoded protein sequence. Three of five in-silico tools predict a benign effect of the variant on protein function. The variant allele was found at a frequency of 2.4e-05 in 248254 control chromosomes (gnomAD). The available data on variant occurrences in the general population are insufficient to allow any conclusion about variant significance. c.4600C>T has been reported in the literature in an individual affected with (Acke_2014). This report does not provide unequivocal conclusions about association of the variant with COL11A2-Related Disorders. To our knowledge, no experimental evidence demonstrating an impact on protein function has been reported. ClinVar contains an entry for this variant (Variation ID: 1212723). Based on the evidence outlined above, the variant was classified as uncertain significance.

Literature cited by the submitters: PubMed 25240749 (cited by Women's Health and Genetics/Laboratory Corporation of America, LabCorp).

NM_080680.3(COL11A2):c.4600C>T (p.Pro1534Ser)

Gene: COL11A2 (collagen type XI alpha 2 chain; minus strand). Cytogenetic location: 6p21.32.
Variant type: single nucleotide variant.
Coding change: c.4600C>T on transcript NM_080680.3 (MANE Select); coding-DNA position 4600, C replaced by T.
Protein change: p.Pro1534Ser; replaces proline 1534 with serine.
Molecular consequence: missense variant.
Genome position (GRCh38, 1-based): chr6:33,165,699, G>A on the plus strand (C>T on the coding strand, the complement: COL11A2 is on the minus strand). VCF-style: chr6-33165699-G-A. GRCh37 (hg19) VCF-style: chr6-33133476-G-A.
Other names: c.4342C>T, p.Pro1448Ser (NM_080681.3); c.4279C>T, p.Pro1427Ser (NM_080679.3); short protein forms P1427S, P1448S, P1534S.
Identifiers: ClinVar variation 1212723 (VCV001212723.7), dbSNP rs774980862, ClinGen allele CA3750040.